The following is an entry in ClinVar:

ClinVar aggregate classification (germline): Uncertain significance (1 of 4 stars; one submission).

Conditions:
Hereditary cancer-predisposing syndrome. Also called: Neoplastic Syndromes, Hereditary; Tumor predisposition; Hereditary Cancer Syndrome; Hereditary neoplastic syndrome. Identifiers: Orphanet 140162, MedGen C0027672, MeSH D009386, MONDO:0015356.

Submission:

Ambry Genetics
Classification: Uncertain significance for Hereditary cancer-predisposing syndrome. Last evaluated: 2025-10-05. Review status: criteria provided, single submitter. Criteria: Ambry Variant Classification Scheme 2023. Collection method: clinical testing. Allele origin: germline.
Comment: The p.R459G variant (also known as c.1375C>G), located in coding exon 5 of the AXIN2 gene, results from a C to G substitution at nucleotide position 1375. The arginine at codon 459 is replaced by glycine, an amino acid with dissimilar properties. This amino acid position is conserved. In addition, the in silico prediction for this alteration is inconclusive. Based on the available evidence, the clinical significance of this variant remains unclear.

NM_004655.4(AXIN2):c.1375C>G (p.Arg459Gly)

Gene: AXIN2 (axin 2; minus strand). Cytogenetic location: 17q24.1.
Variant type: single nucleotide variant.
Coding change: c.1375C>G on transcript NM_004655.4 (MANE Select); coding-DNA position 1375, C replaced by G.
Protein change: p.Arg459Gly; replaces arginine 459 with glycine.
Molecular consequence: missense variant.
Genome position (GRCh38, 1-based): chr17:65,537,661, G>C on the plus strand (C>G on the coding strand, the complement: AXIN2 is on the minus strand). VCF-style: chr17-65537661-G-C. GRCh37 (hg19) VCF-style: chr17-63533779-G-C.
Other names: c.1375C>G, p.Arg459Gly (NM_001363813.1); short protein forms R459G.
Identifiers: ClinVar variation 4619597 (VCV004619597.1).